The following is an entry in ClinVar:

NM_138927.4(SON):c.3945_3956del (p.Met1315_Gly1319delinsIle)

Gene: SON (SON DNA and RNA binding protein; plus strand). Cytogenetic location: 21q22.11.
Variant type: Deletion.
Coding change: c.3945_3956del on transcript NM_138927.4 (MANE Select); coding-DNA positions 3945 to 3956, 12 bases deleted (GAGAGCCTCAGG).
Protein change: p.Met1315_Gly1319delinsIle.
Molecular consequence: inframe indel. On other transcripts: non-coding transcript variant (1), intron variant (1).
Genome position (GRCh38, 1-based): chr21:33,553,176-33,553,187, GAGAGCCTCAGG deleted. VCF-style (leftmost placement, unchanged base first): chr21-33553175-TGAGAGCCTCAGG-T. GRCh37 (hg19) VCF-style: chr21-34925481-TGAGAGCCTCAGG-T.
Other names: c.3945_3956del, p.Met1315_Gly1319delinsIle (NM_001291411.2, NM_032195.3); c.245-3980_245-3969del (NM_001291412.3).
Identifiers: ClinVar variation 3728217 (VCV003728217.2).

ClinVar aggregate classification (germline): Uncertain significance (1 of 4 stars; one submission).

Submission:

Labcorp Genetics (formerly Invitae), Labcorp
Classification: Uncertain significance. Last evaluated: 2025-01-06. Review status: criteria provided, single submitter. Criteria: Invitae Variant Classification Sherloc (09022015). Collection method: clinical testing. Allele origin: germline.
Comment: This variant, c.3945_3956del, is a complex sequence change that results in the deletion of 5 and insertion of 1 amino acid(s) in the SON protein (p.Met1315_Gly1319delinsIle). This variant is not present in population databases (gnomAD no frequency). This variant has not been reported in the literature in individuals affected with SON-related conditions. Experimental studies and prediction algorithms are not available or were not evaluated, and the functional significance of this variant is currently unknown. In summary, the available evidence is currently insufficient to determine the role of this variant in disease. Therefore, it has been classified as a Variant of Uncertain Significance.